The following is an entry in ClinVar:

ClinVar aggregate classification (germline): Uncertain significance (1 of 4 stars; one submission).

Conditions:
Spondyloepimetaphyseal dysplasia with joint laxity (SEMDJL). Identifiers: MedGen C0432243, MONDO:0019675.
Ehlers-Danlos syndrome, spondylodysplastic type, 2 (EDSSPD2). Also called: Ehlers-Danlos syndrome, progeroid type, 2. Identifiers: Orphanet 536467, Orphanet 75496, MedGen C3809210, MONDO:0014139, OMIM 615349.

Allele frequency attached by ClinVar (database versions not stated): gnomAD exomes below 0.00001.

Submission:

Labcorp Genetics (formerly Invitae), Labcorp
Classification: Uncertain significance for Ehlers-Danlos syndrome, spondylodysplastic type, 2; Spondyloepimetaphyseal dysplasia with joint laxity. Last evaluated: 2021-08-15. Review status: criteria provided, single submitter. Criteria: Invitae Variant Classification Sherloc (09022015). Collection method: clinical testing. Allele origin: germline.
Comment: In summary, the available evidence is currently insufficient to determine the role of this variant in disease. Therefore, it has been classified as a Variant of Uncertain Significance. Algorithms developed to predict the effect of missense changes on protein structure and function are either unavailable or do not agree on the potential impact of this missense change (SIFT: "Deleterious"; PolyPhen-2: "Probably Damaging"; Align-GVGD: "Class C0"). This sequence change replaces isoleucine with serine at codon 76 of the B3GALT6 protein (p.Ile76Ser). The isoleucine residue is weakly conserved and there is a large physicochemical difference between isoleucine and serine. The frequency data for this variant in the population databases is considered unreliable, as metrics indicate insufficient coverage at this position in the ExAC database. This variant has not been reported in the literature in individuals with B3GALT6-related conditions.

NM_080605.4(B3GALT6):c.227T>G (p.Ile76Ser)

Gene: B3GALT6 (beta-1,3-galactosyltransferase 6; plus strand). Cytogenetic location: 1p36.33.
Variant type: single nucleotide variant.
Coding change: c.227T>G on transcript NM_080605.4 (MANE Select); coding-DNA position 227, T replaced by G.
Protein change: p.Ile76Ser; replaces isoleucine 76 with serine.
Molecular consequence: missense variant.
Genome position (GRCh38, 1-based): chr1:1,232,505, T>G. VCF-style: chr1-1232505-T-G. GRCh37 (hg19) VCF-style: chr1-1167885-T-G.
Other names: short protein forms I76S.
Identifiers: ClinVar variation 1481746 (VCV001481746.8), dbSNP rs1436567011, ClinGen allele CA337823545.